The following is an entry in ClinVar:

ClinVar aggregate classification (germline): Uncertain significance (1 of 4 stars; one submission).

Conditions:
Alpha thalassemia-X-linked intellectual disability syndrome (ATRX). Also called: ALPHA-THALASSEMIA/MENTAL RETARDATION SYNDROME, X-LINKED; ATR, NONDELETION TYPE; ATR-X syndrome; Alpha thalassemia mental retardation syndrome, nondeletion type, X-linked; XLMR hypotonic face syndrome; X-linked alpha-thalassemia-mental retardation syndrome. Identifiers: Orphanet 847, MedGen C1845055, MONDO:0010519, OMIM 301040.

Submission:

Labcorp Genetics (formerly Invitae), Labcorp
Classification: Uncertain significance for Alpha thalassemia-X-linked intellectual disability syndrome. Last evaluated: 2024-11-11. Review status: criteria provided, single submitter. Criteria: Invitae Variant Classification Sherloc (09022015). Collection method: clinical testing. Allele origin: germline.
Comment: This sequence change replaces lysine, which is basic and polar, with asparagine, which is neutral and polar, at codon 1530 of the ATRX protein (p.Lys1530Asn). This variant is not present in population databases (gnomAD no frequency). This variant has not been reported in the literature in individuals affected with ATRX-related conditions. ClinVar contains an entry for this variant (Variation ID: 1059362). Invitae Evidence Modeling of protein sequence and biophysical properties (such as structural, functional, and spatial information, amino acid conservation, physicochemical variation, residue mobility, and thermodynamic stability) indicates that this missense variant is not expected to disrupt ATRX protein function with a negative predictive value of 95%. In summary, the available evidence is currently insufficient to determine the role of this variant in disease. Therefore, it has been classified as a Variant of Uncertain Significance.

NM_000489.6(ATRX):c.4590G>C (p.Lys1530Asn)

Gene: ATRX (ATRX chromatin remodeler; minus strand). Cytogenetic location: Xq21.1.
Variant type: single nucleotide variant.
Coding change: c.4590G>C on transcript NM_000489.6 (MANE Select); coding-DNA position 4590, G replaced by C.
Protein change: p.Lys1530Asn; replaces lysine 1530 with asparagine.
Molecular consequence: missense variant.
Genome position (GRCh38, 1-based): chrX:77,636,024, C>G on the plus strand (G>C on the coding strand, the complement: ATRX is on the minus strand). VCF-style: chrX-77636024-C-G. GRCh37 (hg19) VCF-style: chrX-76891515-C-G.
Other names: c.4476G>C, p.Lys1492Asn (NM_138270.5); short protein forms K1492N, K1530N.
Identifiers: ClinVar variation 1059362 (VCV001059362.11), dbSNP rs2148360161, ClinGen allele CA413705973.
Genomic context (GRCh38, chrX:77,636,024, plus strand): 5'-CACTAAAGGTTCTTTGGTTTCTTCATCTTCATCTAAAACCAACTTGGTTGTTATTGGACA[C>G]TTGGTGGGTGAAGCATCTTCAATTTCTATCACCTACAAGAAAAGGAGTTGTTGATAGTTA-3'
Protein context (NP_000480.3, residues 1520-1540): VIEIEDASPT[Lys1530Asn]CPITTKLVLD